The following is an entry in ClinVar:

ClinVar aggregate classification (germline): Uncertain significance (1 of 4 stars; one submission).

Submission:

Women's Health and Genetics/Laboratory Corporation of America, LabCorp
Classification: Uncertain significance. Last evaluated: 2022-08-11. Review status: criteria provided, single submitter. Criteria: LabCorp Variant Classification Summary - May 2015. Collection method: clinical testing. Allele origin: germline.
Comment: Variant summary: CREBBP c.5962_5979del18 (p.Met1988_Ser1993del) results in an in-frame deletion that is predicted to remove six amino acids from the last exon of the encoded protein. The variant was absent in 201192 control chromosomes (gnomAD). To our knowledge, no occurrence of c.5962_5979del18 in individuals affected with Rubinstein-Taybi Syndrome and no experimental evidence demonstrating its impact on protein function have been reported. No clinical diagnostic laboratories have submitted clinical-significance assessments for this variant to ClinVar after 2014. Based on the evidence outlined above, the variant was classified as uncertain significance.

NM_004380.3(CREBBP):c.5962_5979del (p.Met1988_Ser1993del)

Gene: CREBBP (CREB binding protein; minus strand). Cytogenetic location: 16p13.3.
Variant type: Deletion.
Coding change: c.5962_5979del on transcript NM_004380.3 (MANE Select); coding-DNA positions 5962 to 5979, 18 bases deleted (ATGGGGACCCCGGGGAGC).
Protein change: p.Met1988_Ser1993del.
Molecular consequence: inframe deletion.
Genome position (GRCh38, 1-based): chr16:3,729,068-3,729,085, GCTCCCCGGGGTCCCCAT deleted on the plus strand (ATGGGGACCCCGGGGAGC on the coding strand, the reverse complement: CREBBP is on the minus strand); deleting any 18 consecutive bases within chr16:3,729,068-3,729,087 gives the same sequence; the c. name uses the placement nearest the transcript's 3' end. VCF-style (leftmost placement, unchanged base first): chr16-3729067-GGCTCCCCGGGGTCCCCAT-G. GRCh37 (hg19) VCF-style: chr16-3779068-GGCTCCCCGGGGTCCCCAT-G.
Other names: c.5848_5865del, p.Met1950_Ser1955del (NM_001079846.1).
Identifiers: ClinVar variation 1705075 (VCV001705075.1), dbSNP rs2548347769, ClinGen allele CA2580091138.
Genomic context (GRCh38, chr16:3,729,067, plus strand): 5'-GCATGACGGGCCCGCTCACCTGGTTGGGTCGGGGCACATTCAGGCTCACGGGGGCCATCT[GGCTCCCCGGGGTCCCCAT>G]GCCCGTGCGTCCTGGGGGCATGCTGTTGTTGATGTTCACCCGGTACAGGTGCTGCTGCTG-3'